The following is an entry in ClinVar:

ClinVar aggregate classification (germline): Uncertain significance (1 of 4 stars; one submission).

Conditions:
Mucopolysaccharidosis, MPS-III-C (MPS3C). Also called: MPS IIIC (Sanfilippo Syndrome Type C); MUCOPOLYSACCHARIDOSIS, TYPE IIIC; Mucopolysaccharidosis type IIIC (Sanfilippo C); mucopolysaccharidosis type 3C; SANFILIPPO SYNDROME C; MPS III C. Identifiers: Orphanet 581, Orphanet 79271, MedGen C0086649, MONDO:0009657, OMIM 252930.
Retinitis pigmentosa 73 (RP73). Identifiers: Orphanet 791, MedGen C4225287, MONDO:0014687, OMIM 616544.

Submission:

Labcorp Genetics (formerly Invitae), Labcorp
Classification: Uncertain significance for Retinitis pigmentosa 73; Mucopolysaccharidosis, MPS-III-C. Last evaluated: 2022-09-13. Review status: criteria provided, single submitter. Criteria: Invitae Variant Classification Sherloc (09022015). Collection method: clinical testing. Allele origin: germline.
Comment: This variant is not present in population databases (gnomAD no frequency). In summary, the available evidence is currently insufficient to determine the role of this variant in disease. Therefore, it has been classified as a Variant of Uncertain Significance. Advanced modeling of protein sequence and biophysical properties (such as structural, functional, and spatial information, amino acid conservation, physicochemical variation, residue mobility, and thermodynamic stability) performed at Invitae indicates that this missense variant is not expected to disrupt HGSNAT protein function. ClinVar contains an entry for this variant (Variation ID: 1016576). This variant has not been reported in the literature in individuals affected with HGSNAT-related conditions. This sequence change replaces valine, which is neutral and non-polar, with leucine, which is neutral and non-polar, at codon 343 of the HGSNAT protein (p.Val343Leu).

NM_152419.3(HGSNAT):c.1027G>T (p.Val343Leu)

Gene: HGSNAT (heparan-alpha-glucosaminide N-acetyltransferase; plus strand). Cytogenetic location: 8p11.21.
Variant type: single nucleotide variant.
Coding change: c.1027G>T on transcript NM_152419.3 (MANE Select); coding-DNA position 1027, G replaced by T.
Protein change: p.Val343Leu; replaces valine 343 with leucine.
Molecular consequence: missense variant.
Genome position (GRCh38, 1-based): chr8:43,182,159, G>T. VCF-style: chr8-43182159-G-T. GRCh37 (hg19) VCF-style: chr8-43037302-G-T.
Other names: c.1027G>T, p.Val343Leu (NM_001363227.2); c.835G>T, p.Val279Leu (NM_001363228.2); c.163G>T, p.Val55Leu (NM_001363229.2); short protein forms V279L, V343L, V55L.
Identifiers: ClinVar variation 1016576 (VCV001016576.5), dbSNP rs1276314637, ClinGen allele CA371118330.